The following is an entry in ClinVar:

NM_000051.4(ATM):c.4487A>G (p.Asp1496Gly)

Gene: ATM (ATM serine/threonine kinase; plus strand). Cytogenetic location: 11q22.3.
Variant type: single nucleotide variant.
Coding change: c.4487A>G on transcript NM_000051.4 (MANE Select); coding-DNA position 4487, A replaced by G.
Protein change: p.Asp1496Gly; replaces aspartic acid 1496 with glycine.
Molecular consequence: missense variant.
Genome position (GRCh38, 1-based): chr11:108,292,669, A>G. VCF-style: chr11-108292669-A-G. GRCh37 (hg19) VCF-style: chr11-108163396-A-G.
Other names: c.4487A>G, p.Asp1496Gly (NM_001351834.2); short protein forms D1496G.
Identifiers: ClinVar variation 2849815 (VCV002849815.3), dbSNP rs2135798785, ClinGen allele CA382533320.

ClinVar aggregate classification (germline): Uncertain significance (1 of 4 stars; one submission).

Conditions:
Ataxia-telangiectasia syndrome (AT). Also called: LOUIS-BAR SYNDROME; Cerebello-oculocutaneous telangiectasia; Immunodeficiency with ataxia telangiectasia; Ataxia telangiectasia (A-T); ATAXIA-TELANGIECTASIA, COMPLEMENTATION GROUP A; ATAXIA-TELANGIECTASIA, FRESNO VARIANT. Identifiers: Orphanet 100, MedGen C0004135, MONDO:0008840, OMIM 208900.

Submission:

Labcorp Genetics (formerly Invitae), Labcorp
Classification: Uncertain significance for Ataxia-telangiectasia syndrome. Last evaluated: 2023-03-31. Review status: criteria provided, single submitter. Criteria: Invitae Variant Classification Sherloc (09022015). Collection method: clinical testing. Allele origin: germline.
Comment: In summary, the available evidence is currently insufficient to determine the role of this variant in disease. Therefore, it has been classified as a Variant of Uncertain Significance. This sequence change replaces aspartic acid, which is acidic and polar, with glycine, which is neutral and non-polar, at codon 1496 of the ATM protein (p.Asp1496Gly). This variant is not present in population databases (gnomAD no frequency). This variant has not been reported in the literature in individuals affected with ATM-related conditions. An algorithm developed to predict the effect of missense changes on protein structure and function (PolyPhen-2) suggests that this variant is likely to be disruptive.